The following is an entry in ClinVar:

ClinVar aggregate classification (germline): Uncertain significance (1 of 4 stars; one submission).

Submission:

GeneDx
Classification: Uncertain significance. Last evaluated: 2024-02-22. Review status: criteria provided, single submitter. Criteria: GeneDx Variant Classification Process June 2021. Collection method: clinical testing. Allele origin: germline. Affected: yes.
Comment: Not observed at significant frequency in large population cohorts (gnomAD); In silico analysis supports that this missense variant does not alter protein structure/function; Has not been previously published as pathogenic or benign to our knowledge

NM_004973.4(JARID2):c.3451G>A (p.Val1151Met)

Gene: JARID2 (jumonji and AT-rich interaction domain containing 2; plus strand). Cytogenetic location: 6p22.3.
Variant type: single nucleotide variant.
Coding change: c.3451G>A on transcript NM_004973.4 (MANE Select); coding-DNA position 3451, G replaced by A.
Protein change: p.Val1151Met; replaces valine 1151 with methionine.
Molecular consequence: missense variant.
Genome position (GRCh38, 1-based): chr6:15,517,161, G>A. VCF-style: chr6-15517161-G-A. GRCh37 (hg19) VCF-style: chr6-15517392-G-A.
Other names: c.2935G>A, p.Val979Met (NM_001267040.1); short protein forms V1151M, V979M.
Identifiers: ClinVar variation 3369668 (VCV003369668.1).